The following is an entry in ClinVar:

NM_015386.3(COG4):c.15G>A (p.Met5Ile)

Gene: COG4 (component of oligomeric golgi complex 4; minus strand). Cytogenetic location: 16q22.1.
Variant type: single nucleotide variant.
Coding change: c.15G>A on transcript NM_015386.3 (MANE Select); coding-DNA position 15, G replaced by A.
Protein change: p.Met5Ile; replaces methionine 5 with isoleucine.
Molecular consequence: missense variant. On other transcripts: initiator codon variant (1), 5 prime UTR variant (1), non-coding transcript variant (1).
Genome position (GRCh38, 1-based): chr16:70,523,529, C>T on the plus strand (G>A on the coding strand, the complement: COG4 is on the minus strand). VCF-style: chr16-70523529-C-T. GRCh37 (hg19) VCF-style: chr16-70557432-C-T.
Other names: c.3G>A, p.Met1Ile (NM_001195139.2); c.-585G>A (NM_001365426.1); short protein forms M1I, M5I.
Identifiers: ClinVar variation 3340758 (VCV003340758.2).

ClinVar aggregate classification (germline): Likely pathogenic (1 of 4 stars; one submission).

Submission:

GeneDx
Classification: Likely pathogenic. Last evaluated: 2026-06-26. Review status: criteria provided, single submitter. Criteria: GeneDx Variant Classification Process June 2021. Collection method: clinical testing. Allele origin: germline.
Comment: Not observed at significant frequency in large population cohorts (gnomAD); In silico analysis suggests that this missense variant does not alter protein structure/function; This variant is associated with the following publications: (PMID: 34022244, 42202558)